The following is an entry in ClinVar:

ClinVar aggregate classification (germline): Uncertain significance (1 of 4 stars; one submission).

Conditions:
Cardiovascular phenotype. Identifiers: MedGen CN230736.

Submission:

Ambry Genetics
Classification: Uncertain significance for Cardiovascular phenotype. Last evaluated: 2024-12-28. Review status: criteria provided, single submitter. Criteria: Ambry Variant Classification Scheme 2023. Collection method: clinical testing. Allele origin: germline.
Comment: The p.C644F variant (also known as c.1931G>T), located in coding exon 15 of the JAG1 gene, results from a G to T substitution at nucleotide position 1931. The cysteine at codon 644 is replaced by phenylalanine, an amino acid with highly dissimilar properties. This amino acid position is conserved. In addition, this alteration is predicted to be deleterious by in silico analysis. Based on the available evidence, the clinical significance of this variant remains unclear.

NM_000214.3(JAG1):c.1931G>T (p.Cys644Phe)

Gene: JAG1 (jagged canonical Notch ligand 1; minus strand). Cytogenetic location: 20p12.2.
Variant type: single nucleotide variant.
Coding change: c.1931G>T on transcript NM_000214.3 (MANE Select); coding-DNA position 1931, G replaced by T.
Protein change: p.Cys644Phe; replaces cysteine 644 with phenylalanine.
Molecular consequence: missense variant.
Genome position (GRCh38, 1-based): chr20:10,646,039, C>A on the plus strand (G>T on the coding strand, the complement: JAG1 is on the minus strand). VCF-style: chr20-10646039-C-A. GRCh37 (hg19) VCF-style: chr20-10626687-C-A.
Other names: short protein forms C644F.
Identifiers: ClinVar variation 3862096 (VCV003862096.1).